The following is an entry in ClinVar:

NM_001276270.2(MBD4):c.1570T>C (p.Tyr524His)

Gene: MBD4 (methyl-CpG binding domain 4, DNA glycosylase; minus strand). Cytogenetic location: 3q21.3.
Variant type: single nucleotide variant.
Coding change: c.1570T>C on transcript NM_001276270.2 (MANE Select); coding-DNA position 1570, T replaced by C.
Protein change: p.Tyr524His; replaces tyrosine 524 with histidine.
Molecular consequence: missense variant.
Genome position (GRCh38, 1-based): chr3:129,432,580, A>G on the plus strand (T>C on the coding strand, the complement: MBD4 is on the minus strand). VCF-style: chr3-129432580-A-G. GRCh37 (hg19) VCF-style: chr3-129151423-A-G.
Other names: c.1588T>C, p.Tyr530His (NM_001276271.2, NM_001276272.2, NM_003925.3); c.634T>C, p.Tyr212His (NM_001276273.2); short protein forms Y524H, Y530H, Y212H.
Identifiers: ClinVar variation 4104623 (VCV004104623.1).
Genomic context (GRCh38, chr3:129,432,580, plus strand): 5'-CACAAAAAATTCGGTAAGAGTCGTTGCCATATTTACCAATCCCATGAAGCTCAATTGGAT[A>G]CTTCCACTGCTTTGTCAGGTATTCATCTGAAGAATACAACATCCCACATTATCAGGTCAG-3'
Protein context (NP_001263199.1, residues 514-534): SDEYLTKQWK[Tyr524His]PIELHGIGKY

ClinVar aggregate classification (germline): Uncertain significance (1 of 4 stars; one submission).

Conditions:
Inborn genetic diseases. Identifiers: MedGen C0950123, MeSH D030342.

Submission:

Ambry Genetics
Classification: Uncertain significance for Inborn genetic diseases. Last evaluated: 2025-07-25. Review status: criteria provided, single submitter. Criteria: Ambry Variant Classification Scheme 2023. Collection method: clinical testing. Allele origin: germline.
Comment: The p.Y524H variant (also known as c.1570T>C), located in coding exon 7 of the MBD4 gene, results from a T to C substitution at nucleotide position 1570. The tyrosine at codon 524 is replaced by histidine, an amino acid with similar properties. This amino acid position is conserved. In addition, the in silico prediction for this alteration is inconclusive. Based on the available evidence, the clinical significance of this variant remains unclear.